The following is an entry in ClinVar:

ClinVar aggregate classification (germline): Benign (1 of 4 stars; one submission).

Allele frequency attached by ClinVar (database versions not stated): gnomAD 0.04461 and 0.04558; TOPMed 0.04880; 1000 Genomes Project 0.06290; 1000 Genomes Project 30x 0.06652.
gnomAD v4.1: 6,709 of 152,130 alleles (4.4%); highest among the groups gnomAD compares: African/African-American, 14%; 435 homozygotes.

Submission:

GeneDx
Classification: Benign. Last evaluated: 2018-06-19. Review status: criteria provided, single submitter. Criteria: GeneDx Variant Classification (06012015). Collection method: clinical testing. Allele origin: germline. Affected: yes.
Comment: This variant is considered likely benign or benign based on one or more of the following criteria: it is a conservative change, it occurs at a poorly conserved position in the protein, it is predicted to be benign by multiple in silico algorithms, and/or has population frequency not consistent with disease.

NM_006258.4(PRKG1):c.1895+170A>G

Gene: PRKG1 (protein kinase cGMP-dependent 1; plus strand). Cytogenetic location: 10q21.1.
Variant type: single nucleotide variant.
Coding change: c.1895+170A>G on transcript NM_006258.4 (MANE Select); 170 bases into the intron after coding-DNA position 1895, A replaced by G.
Molecular consequence: intron variant.
Genome position (GRCh38, 1-based): chr10:52,289,163, A>G. VCF-style: chr10-52289163-A-G. GRCh37 (hg19) VCF-style: chr10-54048923-A-G.
Other names: c.1850+170A>G (NM_001098512.3).
Identifiers: ClinVar variation 676359 (VCV000676359.1), dbSNP rs11001464, ClinGen allele CA207401586.
Genomic context (GRCh38, chr10:52,289,163, plus strand): 5'-AGACAGCGTATAAACTAGTAAGGCTTTTAAATGCCTTTCTAGTTGTGATTATGAAACCTT[A>G]TTTATATTTATCTGACAACCCTGTAACATAAGAAGCTGAACTCAGTTTCTTACAACTCAT-3'